The following is an entry in ClinVar:

ClinVar aggregate classification (germline): Uncertain significance (1 of 4 stars; one submission).

Conditions:
Familial thoracic aortic aneurysm and aortic dissection (TAAD). Also called: Thoracic aortic aneurysms and dissections. Identifiers: Orphanet 91387, MedGen C4707243, MONDO:0019625.

Submission:

Ambry Genetics
Classification: Uncertain significance for Familial thoracic aortic aneurysm and aortic dissection. Last evaluated: 2021-11-24. Review status: criteria provided, single submitter. Criteria: Ambry Variant Classification Scheme 2023. Collection method: clinical testing. Allele origin: germline.
Comment: The p.D924A variant (also known as c.2771A>C), located in coding exon 18 of the NOTCH1 gene, results from an A to C substitution at nucleotide position 2771. The aspartic acid at codon 924 is replaced by alanine, an amino acid with dissimilar properties. This amino acid position is conserved. In addition, this alteration is predicted to be deleterious by in silico analysis. Since supporting evidence is limited at this time, the clinical significance of this alteration remains unclear.

NM_017617.5(NOTCH1):c.2771A>C (p.Asp924Ala)

Gene: NOTCH1 (notch receptor 1; minus strand). Cytogenetic location: 9q34.3.
Variant type: single nucleotide variant.
Coding change: c.2771A>C on transcript NM_017617.5 (MANE Select); coding-DNA position 2771, A replaced by C.
Protein change: p.Asp924Ala; replaces aspartic acid 924 with alanine.
Molecular consequence: missense variant.
Genome position (GRCh38, 1-based): chr9:136,509,931, T>G on the plus strand (A>C on the coding strand, the complement: NOTCH1 is on the minus strand). VCF-style: chr9-136509931-T-G. GRCh37 (hg19) VCF-style: chr9-139404383-T-G.
Other names: short protein forms D924A.
Identifiers: ClinVar variation 1795813 (VCV001795813.2), dbSNP rs1348998913, ClinGen allele CA375553872.